The following is an entry in ClinVar:

ClinVar aggregate classification (germline): Conflicting classifications of pathogenicity. Review status: criteria provided, conflicting classifications (1 of 4 stars). 5 submissions from 5 submitters: Uncertain significance (4); Benign (1). Last evaluated 2025-10-06.

Conditions:
Inborn genetic diseases. Identifiers: MedGen C0950123, MeSH D030342.

Allele frequency attached by ClinVar (database versions not stated): gnomAD 0.00032 and 0.00031; gnomAD exomes 0.00003 and 0.00008; TOPMed 0.00033; 1000 Genomes Project 0.00060; 1000 Genomes Project 30x 0.00062; ExAC 0.00015.
gnomAD v4.1: 83 of 1,608,202 alleles (0.0052%); highest among the groups gnomAD compares: African/African-American, 0.1%; no homozygotes.

Submissions (5):

Labcorp Genetics (formerly Invitae), Labcorp
Classification: Benign. Last evaluated: 2025-10-06. Review status: criteria provided, single submitter. Criteria: Invitae Variant Classification Sherloc (09022015). Collection method: clinical testing. Allele origin: germline.

GeneDx
Classification: Uncertain significance. Last evaluated: 2025-07-15. Review status: criteria provided, single submitter. Criteria: GeneDx Variant Classification Process June 2021. Collection method: clinical testing. Allele origin: germline. Affected: yes.
Comment: Has not been previously published as pathogenic or benign to our knowledge; In silico analysis supports that this missense variant has a deleterious effect on protein structure/function

Blueprint Genetics
Classification: Uncertain significance. Last evaluated: 2022-11-15. Review status: criteria provided, single submitter. Criteria: ACMG Guidelines, 2015. Collection method: clinical testing. Allele origin: germline.

Ambry Genetics
Classification: Uncertain significance for Inborn genetic diseases. Last evaluated: 2022-09-06. Review status: criteria provided, single submitter. Criteria: Ambry Variant Classification Scheme 2023. Collection method: clinical testing. Allele origin: germline.

Athena Diagnostics
Classification: Uncertain significance. Last evaluated: 2020-01-24. Review status: criteria provided, single submitter. Criteria: Athena Diagnostics Criteria. Collection method: clinical testing. Allele origin: unknown.

NM_005529.7(HSPG2):c.7283G>T (p.Gly2428Val)

Gene: HSPG2 (heparan sulfate proteoglycan 2; minus strand). Cytogenetic location: 1p36.12.
Variant type: single nucleotide variant.
Coding change: c.7283G>T on transcript NM_005529.7 (MANE Select); coding-DNA position 7283, G replaced by T.
Protein change: p.Gly2428Val; replaces glycine 2428 with valine.
Molecular consequence: missense variant.
Genome position (GRCh38, 1-based): chr1:21,850,374, C>A on the plus strand (G>T on the coding strand, the complement: HSPG2 is on the minus strand). VCF-style: chr1-21850374-C-A. GRCh37 (hg19) VCF-style: chr1-22176867-C-A.
Other names: c.7286G>T, p.Gly2429Val (NM_001291860.2); short protein forms G2428V, G2429V.
Identifiers: ClinVar variation 994621 (VCV000994621.12), dbSNP rs561723497, ClinGen allele CA671257.